The following is an entry in ClinVar:

ClinVar aggregate classification (germline): Uncertain significance. Review status: criteria provided, multiple submitters, no conflicts (2 of 4 stars). 4 submissions from 4 submitters: Uncertain significance (4). Last evaluated 2026-04-27.

Conditions:
Inborn genetic diseases. Identifiers: MedGen C0950123, MeSH D030342.
Intellectual developmental disorder, X-linked 19. Also called: Intellectual disability, X-linked 19. Identifiers: Orphanet 777, MedGen C0796225, MONDO:0010447, OMIM 300844.
Coffin-Lowry syndrome (CLS). Also called: Mental retardation with osteocartilaginous abnormalities; COFFIN-LOWRY SYNDROME, MILD. Identifiers: Orphanet 192, MedGen C0265252, MONDO:0010561, OMIM 303600.
RPS6KA3-related disorder. Also called: RPS6KA3-related condition.

Allele frequency attached by ClinVar (database versions not stated): gnomAD exomes below 0.00001.
gnomAD v4.1: 2 of 1,196,668 alleles (0.00017%); highest among the groups gnomAD compares: Admixed American, 0.0043%; no homozygotes.

Submissions (4):

PreventionGenetics, part of Exact Sciences
Classification: Uncertain significance for RPS6KA3-related condition. Last evaluated: 2026-04-27. Review status: criteria provided, single submitter. Criteria: ACMG Guidelines, 2015. Collection method: clinical testing. Allele origin: germline.
Comment: The RPS6KA3 c.1402C>G variant is predicted to result in the amino acid substitution p.Leu468Val. To our knowledge, this variant has not been reported in the literature or in a large population database (gnomAD), indicating this variant is rare. An alternate missense variant at the same amino acid position (p.Leu468Pro) has been reported in an individual from a family with Coffin-Lowry syndrome; however, phenotypic information regarding the family was not reported (Delaunoy et al. 2006. PubMed ID: 16879200). At this time, the clinical significance of the c.1402C>G variant is uncertain due to the absence of conclusive functional and genetic evidence.

Ambry Genetics
Classification: Uncertain significance for Inborn genetic diseases. Last evaluated: 2026-03-26. Review status: criteria provided, single submitter. Criteria: Ambry Variant Classification Scheme 2023. Collection method: clinical testing. Allele origin: germline.

Labcorp Genetics (formerly Invitae), Labcorp
Classification: Uncertain significance for Coffin-Lowry syndrome; Intellectual developmental disorder, X-linked 19. Last evaluated: 2024-11-11. Review status: criteria provided, single submitter. Criteria: Invitae Variant Classification Sherloc (09022015). Collection method: clinical testing. Allele origin: germline.
Comment: This sequence change replaces leucine, which is neutral and non-polar, with valine, which is neutral and non-polar, at codon 468 of the RPS6KA3 protein (p.Leu468Val). This variant is not present in population databases (gnomAD no frequency). This variant has not been reported in the literature in individuals affected with RPS6KA3-related conditions. ClinVar contains an entry for this variant (Variation ID: 1912761). Invitae Evidence Modeling of protein sequence and biophysical properties (such as structural, functional, and spatial information, amino acid conservation, physicochemical variation, residue mobility, and thermodynamic stability) has been performed for this missense variant. However, the output from this modeling did not meet the statistical confidence thresholds required to predict the impact of this variant on RPS6KA3 protein function. In summary, the available evidence is currently insufficient to determine the role of this variant in disease. Therefore, it has been classified as a Variant of Uncertain Significance.

Blueprint Genetics
Classification: Uncertain significance. Last evaluated: 2019-02-27. Review status: criteria provided, single submitter. Criteria: ACMG Guidelines, 2015. Collection method: clinical testing. Allele origin: germline.

NM_004586.3(RPS6KA3):c.1402C>G (p.Leu468Val)

Gene: RPS6KA3 (ribosomal protein S6 kinase A3; minus strand). Cytogenetic location: Xp22.12.
Variant type: single nucleotide variant.
Coding change: c.1402C>G on transcript NM_004586.3 (MANE Select); coding-DNA position 1402, C replaced by G.
Protein change: p.Leu468Val; replaces leucine 468 with valine.
Molecular consequence: missense variant.
Genome position (GRCh38, 1-based): chrX:20,169,443, G>C on the plus strand (C>G on the coding strand, the complement: RPS6KA3 is on the minus strand). VCF-style: chrX-20169443-G-C. GRCh37 (hg19) VCF-style: chrX-20187561-G-C.
Other names: c.1402C>G (NM_004586.2); short protein forms L468V.
Identifiers: ClinVar variation 1912761 (VCV001912761.8), dbSNP rs2067520557, ClinGen allele CA412515307.